The following is an entry in ClinVar:

NM_004304.5(ALK):c.3692G>A (p.Arg1231Gln)

Gene: ALK (ALK receptor tyrosine kinase; minus strand). Cytogenetic location: 2p23.2.
Variant type: single nucleotide variant.
Coding change: c.3692G>A on transcript NM_004304.5 (MANE Select); coding-DNA position 3692, G replaced by A.
Protein change: p.Arg1231Gln; replaces arginine 1231 with glutamine.
Molecular consequence: missense variant.
Genome position (GRCh38, 1-based): chr2:29,214,035, C>T on the plus strand (G>A on the coding strand, the complement: ALK is on the minus strand). VCF-style: chr2-29214035-C-T. GRCh37 (hg19) VCF-style: chr2-29436901-C-T.
Other names: c.488G>A, p.Arg163Gln (NM_001353765.2); short protein forms R1231Q, R163Q.
Identifiers: ClinVar variation 404363 (VCV000404363.23), dbSNP rs200110351, ClinGen allele CA1593804.
Genomic context (GRCh38, chr2:29,214,035, plus strand): 5'-TTGACTCACCGGTGGATGAAGTGGTTTTCCTCCAAATACTGACAGCCACAGGCAATGTCC[C>T]GAGCCACGTGCAGAAGGTCCAGCATGGCCAGGGAGGAGGGCTGGCTCTGTGGGGAGACAG-3'
Protein context (NP_004295.2, residues 1221-1241): LAMLDLLHVA[Arg1231Gln]DIACGCQYLE

ClinVar aggregate classification (germline): Conflicting classifications of pathogenicity. Review status: criteria provided, conflicting classifications (1 of 4 stars). 6 submissions from 6 submitters: Uncertain significance (3); Likely benign (3). Last evaluated 2026-09-14.

Conditions:
ALK-related disorder. Also called: ALK-related condition.
Hereditary cancer-predisposing syndrome. Also called: Neoplastic Syndromes, Hereditary; Tumor predisposition; Hereditary Cancer Syndrome; Hereditary neoplastic syndrome. Identifiers: Orphanet 140162, MedGen C0027672, MeSH D009386, MONDO:0015356.
Neuroblastoma, susceptibility to, 3. Also called: ALK-Related Neuroblastic Tumor Susceptibility. Identifiers: Orphanet 635, MedGen C2751681, MONDO:0013083, OMIM 613014.

Allele frequency attached by ClinVar (database versions not stated): TOPMed 0.00007; gnomAD 0.00010 and 0.00013; gnomAD exomes 0.00010 and 0.00019; ESP Exome Variant Server 0.00015; ExAC 0.00021; 1000 Genomes Project 30x 0.00031; 1000 Genomes Project 0.00040.
gnomAD v4.1: 169 of 1,613,992 alleles (0.01%); highest among the groups gnomAD compares: East Asian, 0.04%; no homozygotes.

Submissions (6):

PreventionGenetics, part of Exact Sciences
Classification: Likely benign for ALK-related condition. Last evaluated: 2026-09-14. Review status: criteria provided, single submitter. Criteria: ACMG Guidelines, 2015. Collection method: clinical testing. Allele origin: germline.
Comment: This variant is classified as likely benign based on ACMG/AMP sequence variant interpretation guidelines (Richards et al. 2015 PMID: 25741868, with internal and published modifications).

Labcorp Genetics (formerly Invitae), Labcorp
Classification: Uncertain significance for Neuroblastoma, susceptibility to, 3. Last evaluated: 2026-01-05. Review status: criteria provided, single submitter. Criteria: Invitae Variant Classification Sherloc (09022015). Collection method: clinical testing. Allele origin: germline.
Comment: This sequence change replaces arginine, which is basic and polar, with glutamine, which is neutral and polar, at codon 1231 of the ALK protein (p.Arg1231Gln). This variant is present in population databases (rs200110351, gnomAD 0.05%), and has an allele count higher than expected for a pathogenic variant. This missense change has been observed in individual(s) with neuroblastoma (PMID: 25517749). ClinVar contains an entry for this variant (Variation ID: 404363). An algorithm developed to predict the effect of missense changes on protein structure and function outputs the following: PolyPhen-2: "Benign". The glutamine amino acid residue is found in multiple mammalian species, which suggests that this missense change does not adversely affect protein function. Experimental studies have shown that this missense change does not substantially affect ALK function (PMID: 25517749, 25874976). In summary, the available evidence is currently insufficient to determine the role of this variant in disease. Therefore, it has been classified as a Variant of Uncertain Significance.

Petrovsky National Research Centre of Surgery, The Federal Agency for Scientific Organizations
Classification: Uncertain significance for Hereditary cancer-predisposing syndrome. Last evaluated: 2025-11-18. Review status: criteria provided, single submitter. Criteria: ACMG Guidelines, 2015. Collection method: clinical testing. Allele origin: germline. Affected: yes.
Comment: The variant is present in The Genome Aggregation Database (gnomA_x000D_

GeneDx
Classification: Uncertain significance. Last evaluated: 2025-07-09. Review status: criteria provided, single submitter. Criteria: GeneDx Variant Classification Process June 2021. Collection method: clinical testing. Allele origin: germline. Affected: yes.
Comment: Observed among individuals with neuroblastoma (PMID: 25517749); Published functional studies are inconclusive: variant demonstrated sensitivity to an ALK inhibitor and phosphorylation of a downstream target was reduced, but auto-phosphorylation and foci formation in NIH 3T3 cells were similar to wildtype (PMID: 25517749, 25874976); In silico analysis supports that this missense variant has a deleterious effect on protein structure/function; This variant is associated with the following publications: (PMID: 20719933, 25874976, 25517749)

Sema4
Classification: Likely benign for Hereditary cancer-predisposing syndrome. Last evaluated: 2021-09-18. Review status: criteria provided, single submitter. Criteria: Sema4 Curation Guidelines. Collection method: curation. Allele origin: germline.

Ambry Genetics
Classification: Likely benign for Hereditary cancer-predisposing syndrome. Last evaluated: 2020-05-06. Review status: criteria provided, single submitter. Criteria: Ambry Variant Classification Scheme 2023. Collection method: clinical testing. Allele origin: germline.

Literature cited by the submitters: PubMed 25517749 (cited by 3 submitters); PubMed 25874976 (cited by 3 submitters).